The following is an entry in ClinVar:

NM_000558.5(HBA1):c.18_19insT (p.Asp7Ter)

Genes: HBA1 (hemoglobin subunit alpha 1; plus strand), LOC106804613 (hemoglobin subunit alpha 1 recombination region; plus strand). Cytogenetic location: 16p13.3.
Variant type: Insertion.
Coding change: c.18_19insT on transcript NM_000558.5 (MANE Select); coding-DNA positions 18 to 19, T inserted.
Protein change: p.Asp7Ter; replaces aspartic acid 7 with a stop codon.
Molecular consequence: nonsense.
Genome position: GRCh38 VCF-style: chr16-176734-C-CT. GRCh37 (hg19) VCF-style: chr16-226733-C-CT.
Other names: short protein forms D7*.
Identifiers: ClinVar variation 4814384 (VCV004814384.1).

ClinVar aggregate classification (germline): Likely pathogenic (1 of 4 stars; one submission).

Conditions:
alpha Thalassemia. Also called: Alpha thalassemia spectrum. Identifiers: Orphanet 846, MedGen C0002312, MONDO:0011399, OMIM 604131.

Submission:

Natera, Inc.
Classification: Likely pathogenic for Alpha thalassemia. Last evaluated: 2024-11-03. Review status: criteria provided, single submitter. Criteria: Natera Variant Classification Schema (03/2026). Collection method: clinical testing. Allele origin: germline.
Comment: The c.18_19insT variant in HBA1 is a frameshift variant predicted to shift the reading frame and introduce a stop codon. This variant is expected to result in nonsense mediated decay, truncation, or a dysfunctional protein product. This variant is rare in the general population with a frequency below the threshold expected for the associated phenotype(s). Given the available evidence, this variant is classified as Likely Pathogenic.